The following is an entry in ClinVar:

NM_000257.4(MYH7):c.1023C>G (p.Phe341Leu)

Gene: MYH7 (myosin heavy chain 7; minus strand). Cytogenetic location: 14q11.2.
Variant type: single nucleotide variant.
Coding change: c.1023C>G on transcript NM_000257.4 (MANE Select); coding-DNA position 1023, C replaced by G.
Protein change: p.Phe341Leu; replaces phenylalanine 341 with leucine.
Molecular consequence: missense variant.
Genome position (GRCh38, 1-based): chr14:23,429,890, G>C on the plus strand (C>G on the coding strand, the complement: MYH7 is on the minus strand). VCF-style: chr14-23429890-G-C. GRCh37 (hg19) VCF-style: chr14-23899099-G-C.
Other names: c.1023C>G, p.Phe341Leu (NM_001407004.1); short protein forms F341L.
Identifiers: ClinVar variation 2742161 (VCV002742161.3), dbSNP rs2502305720, ClinGen allele CA389051527.

ClinVar aggregate classification (germline): Uncertain significance (1 of 4 stars; one submission).

Conditions:
Hypertrophic cardiomyopathy. Also called: HYPERTROPHIC MYOCARDIOPATHY. Identifiers: Orphanet 217569, MedGen C0007194, MeSH D002312, MONDO:0005045, HP:0001639.

Submission:

Labcorp Genetics (formerly Invitae), Labcorp
Classification: Uncertain significance for Hypertrophic cardiomyopathy. Last evaluated: 2023-11-09. Review status: criteria provided, single submitter. Criteria: Invitae Variant Classification Sherloc (09022015). Collection method: clinical testing. Allele origin: germline.
Comment: This sequence change replaces phenylalanine, which is neutral and non-polar, with leucine, which is neutral and non-polar, at codon 341 of the MYH7 protein (p.Phe341Leu). This variant is not present in population databases (gnomAD no frequency). This missense change has been observed in individual(s) with hypertrophic cardiomyopathy (PMID: 25351510, 33673806). Advanced modeling of protein sequence and biophysical properties (such as structural, functional, and spatial information, amino acid conservation, physicochemical variation, residue mobility, and thermodynamic stability) performed at Invitae indicates that this missense variant is expected to disrupt MYH7 protein function with a positive predictive value of 95%. In summary, the available evidence is currently insufficient to determine the role of this variant in disease. Therefore, it has been classified as a Variant of Uncertain Significance.

Literature cited by the submitters: PubMed 25351510; PubMed 33673806.